The following is an entry in ClinVar:

NM_139027.6(ADAMTS13):c.1432C>G (p.Gln478Glu)

Gene: ADAMTS13 (ADAM metallopeptidase with thrombospondin type 1 motif 13; plus strand). Cytogenetic location: 9q34.2.
Variant type: single nucleotide variant.
Coding change: c.1432C>G on transcript NM_139027.6 (MANE Select); coding-DNA position 1432, C replaced by G.
Protein change: p.Gln478Glu; replaces glutamine 478 with glutamic acid.
Molecular consequence: missense variant.
Genome position (GRCh38, 1-based): chr9:133,436,952, C>G. VCF-style: chr9-133436952-C-G. GRCh37 (hg19) VCF-style: chr9-136302072-C-G.
Other names: p.Gln478Glu; c.1432C>G, p.Gln478Glu (NM_139025.5); c.1339C>G, p.Gln447Glu (NM_139026.6); short protein forms Q447E, Q478E.
Identifiers: ClinVar variation 2683075 (VCV002683075.4), dbSNP rs1554789261, ClinGen allele CA375391912.
Genomic context (GRCh38, chr9:133,436,952, plus strand): 5'-CTGCGCTCCTCCCCTGGCGGCGCCTCCTTCTACCACTGGGGTGCTGCTGTACCACACAGC[C>G]AAGGTGGGGCCTGCGGAGTGTGGGGTTGGGGGAGGAGCCAGCCCTGGAGACCCTCGGACA-3'
Protein context (NP_620596.2, residues 468-488): YHWGAAVPHS[Gln478Glu]GDALCRHMCR

ClinVar aggregate classification (germline): Uncertain significance. Review status: criteria provided, multiple submitters, no conflicts (2 of 4 stars). 3 submissions from 3 submitters: Uncertain significance (3). Last evaluated 2024-10-29.

Conditions:
Upshaw-Schulman syndrome (TTP). Also called: THROMBOTIC THROMBOCYTOPENIC PURPURA, HEREDITARY; Congenital thrombotic thrombocytopenic purpura. Identifiers: Orphanet 93583, MedGen C1268935, MONDO:0010122, OMIM 274150.

Allele frequency attached by ClinVar (database versions not stated): TOPMed below 0.00001.

Submissions (3):

Labcorp Genetics (formerly Invitae), Labcorp
Classification: Uncertain significance. Last evaluated: 2024-10-29. Review status: criteria provided, single submitter. Criteria: Invitae Variant Classification Sherloc (09022015). Collection method: clinical testing. Allele origin: germline.
Comment: This sequence change replaces glutamine, which is neutral and polar, with glutamic acid, which is acidic and polar, at codon 478 of the ADAMTS13 protein (p.Gln478Glu). The frequency data for this variant in the population databases is considered unreliable, as metrics indicate poor data quality at this position in the gnomAD database. This variant has not been reported in the literature in individuals affected with ADAMTS13-related conditions. ClinVar contains an entry for this variant (Variation ID: 2683075). Invitae Evidence Modeling of protein sequence and biophysical properties (such as structural, functional, and spatial information, amino acid conservation, physicochemical variation, residue mobility, and thermodynamic stability) indicates that this missense variant is not expected to disrupt ADAMTS13 protein function with a negative predictive value of 80%. In summary, the available evidence is currently insufficient to determine the role of this variant in disease. Therefore, it has been classified as a Variant of Uncertain Significance.

Fulgent Genetics
Classification: Uncertain significance for Upshaw-Schulman syndrome. Last evaluated: 2024-06-12. Review status: criteria provided, single submitter. Criteria: ACMG Guidelines, 2015. Collection method: clinical testing. Allele origin: germline.

Mayo Clinic Laboratories, Mayo Clinic
Classification: Uncertain significance. Last evaluated: 2023-03-01. Review status: criteria provided, single submitter. Criteria: ACMG Guidelines, 2015. Collection method: clinical testing. Allele origin: germline. Observed: 1 variant allele.
Comment: BP4